The following is an entry in ClinVar:

ClinVar aggregate classification (germline): Uncertain significance (1 of 4 stars; one submission).

Conditions:
Epileptic encephalopathy. Identifiers: MedGen C0543888, HP:0200134.

Allele frequency attached by ClinVar (database versions not stated): ExAC 0.00001; gnomAD exomes 0.00001; 1000 Genomes Project 30x 0.00016; 1000 Genomes Project 0.00020.

Submission:

Labcorp Genetics (formerly Invitae), Labcorp
Classification: Uncertain significance for Epileptic encephalopathy. Last evaluated: 2022-08-03. Review status: criteria provided, single submitter. Criteria: Invitae Variant Classification Sherloc (09022015). Collection method: clinical testing. Allele origin: germline.
Comment: In summary, the available evidence is currently insufficient to determine the role of this variant in disease. Therefore, it has been classified as a Variant of Uncertain Significance. Algorithms developed to predict the effect of missense changes on protein structure and function are either unavailable or do not agree on the potential impact of this missense change (SIFT: "Deleterious"; PolyPhen-2: "Benign"; Align-GVGD: "Class C0"). ClinVar contains an entry for this variant (Variation ID: 1418491). This variant has not been reported in the literature in individuals affected with GABBR2-related conditions. This variant is present in population databases (rs542987260, gnomAD 0.01%). This sequence change replaces isoleucine, which is neutral and non-polar, with phenylalanine, which is neutral and non-polar, at codon 327 of the GABBR2 protein (p.Ile327Phe).

NM_005458.8(GABBR2):c.979A>T (p.Ile327Phe)

Gene: GABBR2 (gamma-aminobutyric acid type B receptor subunit 2; minus strand). Cytogenetic location: 9q22.33.
Variant type: single nucleotide variant.
Coding change: c.979A>T on transcript NM_005458.8 (MANE Select); coding-DNA position 979, A replaced by T.
Protein change: p.Ile327Phe; replaces isoleucine 327 with phenylalanine.
Molecular consequence: missense variant.
Genome position (GRCh38, 1-based): chr9:98,473,166, T>A on the plus strand (A>T on the coding strand, the complement: GABBR2 is on the minus strand). VCF-style: chr9-98473166-T-A. GRCh37 (hg19) VCF-style: chr9-101235448-T-A.
Other names: short protein forms I327F.
Identifiers: ClinVar variation 1418491 (VCV001418491.8), dbSNP rs542987260, ClinGen allele CA5152844.
Genomic context (GRCh38, chr9:98,473,166, plus strand): 5'-AGGTGGGCCAGAAGGTTGAAATGGGGACCAAGGCACTGACCTTTCCTGAGATGGTCTTGA[T>A]CTGCTTGGAGCTCAGGGGCTCGAAATCCACGCCAATGTAGCCCTCCATGGCAGCAAGCAG-3'
Protein context (NP_005449.5, residues 317-337): VDFEPLSSKQ[Ile327Phe]KTISGKTPQQ